The following is an entry in ClinVar:

ClinVar aggregate classification (germline): Pathogenic (1 of 4 stars; one submission).

Conditions:
Inborn genetic diseases. Identifiers: MedGen C0950123, MeSH D030342.

Submission:

Ambry Genetics
Classification: Pathogenic for Inborn genetic diseases. Last evaluated: 2024-04-09. Review status: criteria provided, single submitter. Criteria: Ambry Variant Classification Scheme 2023. Collection method: clinical testing. Allele origin: germline.
Comment: The c.5294dupT (p.T1766Dfs*18) alteration, located in exon 20 (coding exon 20) of the ARID1B gene, consists of a duplication of T at position 5294, causing a translational frameshift with a predicted alternate stop codon after 18 amino acids. This alteration occurs at the 3' terminus of the ARID1B gene, is not expected to trigger nonsense-mediated mRNA decay, and impacts the last 21.5% of the protein. Premature stop codons are typically deleterious in nature. The impacted region is critical for protein function and a significant portion of the protein is affected (Ambry internal data). This variant was not reported in population-based cohorts in the Genome Aggregation Database (gnomAD). Based on the available evidence, this alteration is classified as pathogenic.

NM_001374828.1(ARID1B):c.5663dup (p.Thr1889fs)

Gene: ARID1B (AT-rich interaction domain 1B; plus strand). Cytogenetic location: 6q25.3.
Variant type: Duplication.
Coding change: c.5663dup on transcript NM_001374828.1 (MANE Select); coding-DNA position 5663, one base duplicated (T; older notation c.5663dupT).
Protein change: p.Thr1889fs; shifts the reading frame from threonine 1889.
Molecular consequence: frameshift variant.
Genome position (GRCh38, 1-based): chr6:157,206,435, T duplicated. VCF-style (leftmost placement, unchanged base first): chr6-157206434-C-CT. GRCh37 (hg19) VCF-style: chr6-157527568-C-CT.
Other names: c.5294dupT (NM_020732.3); c.3164dup, p.Thr1056fs (NM_001363725.2); c.5543dup, p.Thr1849fs (NM_001371656.1, NM_001374820.1); c.5504dup, p.Thr1836fs (NM_017519.3); short protein forms T1056fs, T1836fs, T1849fs, T1889fs.
Identifiers: ClinVar variation 3314401 (VCV003314401.1).